The following is an entry in ClinVar:

NM_001375883.1(GPR161):c.713G>C (p.Gly238Ala)

Gene: GPR161 (G protein-coupled receptor 161; minus strand). Cytogenetic location: 1q24.2.
Variant type: single nucleotide variant.
Coding change: c.713G>C on transcript NM_001375883.1 (MANE Select); coding-DNA position 713, G replaced by C.
Protein change: p.Gly238Ala; replaces glycine 238 with alanine.
Molecular consequence: missense variant.
Genome position (GRCh38, 1-based): chr1:168,096,894, C>G on the plus strand (G>C on the coding strand, the complement: GPR161 is on the minus strand). VCF-style: chr1-168096894-C-G. GRCh37 (hg19) VCF-style: chr1-168066132-C-G.
Other names: c.317G>C, p.Gly106Ala (NM_001267612.2, NM_001349635.1); c.479G>C, p.Gly160Ala (NM_001267613.1); c.371G>C, p.Gly124Ala (NM_001267614.1); c.713G>C, p.Gly238Ala (NM_001349632.1, NM_001349633.1, NM_001349634.1 and 5 more transcripts); c.773G>C, p.Gly258Ala (NM_001267609.1); c.764G>C, p.Gly255Ala (NM_001267611.1); c.713G>C (NM_153832.1); short protein forms G106A, G124A, G160A, G238A, G255A, G258A.
Identifiers: ClinVar variation 2444888 (VCV002444888.2), dbSNP rs540899616, ClinGen allele CA31445380.

ClinVar aggregate classification (germline): Uncertain significance. Review status: criteria provided, multiple submitters, no conflicts (2 of 4 stars). 2 submissions from 2 submitters: Uncertain significance (2). Last evaluated 2025-09-18.

Conditions:
Medulloblastoma (MDB). Also called: Medulloblastoma, somatic; MEDULLOBLASTOMA PREDISPOSITION SYNDROME. Identifiers: Orphanet 616, MedGen C0025149, MeSH D008527, MONDO:0007959, OMIM 155255, HP:0002885.

Allele frequency attached by ClinVar (database versions not stated): gnomAD exomes 0.00001; gnomAD 0.00002; TOPMed 0.00002; 1000 Genomes Project 0.00020; 1000 Genomes Project 30x 0.00031.
gnomAD v4.1: 10 of 1,614,158 alleles (0.00062%); highest among the groups gnomAD compares: Admixed American, 0.015%; no homozygotes.

Submissions (2):

Ambry Genetics
Classification: Uncertain significance. Last evaluated: 2025-09-18. Review status: criteria provided, single submitter. Criteria: Ambry Variant Classification Scheme 2023. Collection method: clinical testing. Allele origin: germline.

St. Jude Molecular Pathology, St. Jude Children's Research Hospital
Classification: Uncertain significance for Medulloblastoma. Last evaluated: 2022-10-17. Review status: criteria provided, single submitter. Criteria: St. Jude Assertion Criteria 2020. Collection method: clinical testing. Allele origin: germline.
Comment: The GPR161 c.713G>C (p.Gly238Ala) missense change is absent in gnomAD v2.1.1. The in silico tool REVEL is inconclusive about a pathogenic or benign effect of this variant on protein function, and to our knowledge functional studies have not been performed. To our knowledge, this variant has not been reported in individuals with medulloblastoma. In summary, the evidence currently available is insufficient to determine the clinical significance of this variant. It has therefore been classified as of uncertain significance.